The following is an entry in ClinVar:

NM_001130438.3(SPTAN1):c.5473A>G (p.Ile1825Val)

Gene: SPTAN1 (spectrin alpha, non-erythrocytic 1; plus strand). Cytogenetic location: 9q34.11.
Variant type: single nucleotide variant.
Coding change: c.5473A>G on transcript NM_001130438.3 (MANE Select); coding-DNA position 5473, A replaced by G.
Protein change: p.Ile1825Val; replaces isoleucine 1825 with valine.
Molecular consequence: missense variant.
Genome position (GRCh38, 1-based): chr9:128,617,755, A>G. VCF-style: chr9-128617755-A-G. GRCh37 (hg19) VCF-style: chr9-131380034-A-G.
Other names: c.5398A>G, p.Ile1800Val (NM_001195532.2); c.5473A>G, p.Ile1825Val (NM_001363759.2, NM_001375310.1, NM_001375311.2 and 1 more transcripts); c.5413A>G, p.Ile1805Val (NM_001363765.2, NM_001375314.2); c.5509A>G, p.Ile1837Val (NM_001375312.2, NM_001375318.1); c.5458A>G, p.Ile1820Val (NM_003127.4); short protein forms I1800V, I1805V, I1820V, I1825V, I1837V.
Identifiers: ClinVar variation 1921439 (VCV001921439.5), dbSNP rs144458407, ClinGen allele CA200401646.

ClinVar aggregate classification (germline): Uncertain significance (1 of 4 stars; one submission).

Conditions:
Early-infantile DEE. Also called: Ohtahara syndrome; Early infantile epileptic encephalopathy with suppression bursts; Early infantile epileptic encephalopathy. Identifiers: Orphanet 1934, MedGen C0393706, MONDO:0800491.

Allele frequency attached by ClinVar (database versions not stated): gnomAD exomes below 0.00001; gnomAD 0.00002; TOPMed 0.00002; ESP Exome Variant Server 0.00008.
gnomAD v4.1: 6 of 1,613,844 alleles (0.00037%); highest among the groups gnomAD compares: African/African-American, 0.0067%; no homozygotes.

Submission:

Labcorp Genetics (formerly Invitae), Labcorp
Classification: Uncertain significance for Early-infantile DEE. Last evaluated: 2023-07-25. Review status: criteria provided, single submitter. Criteria: Invitae Variant Classification Sherloc (09022015). Collection method: clinical testing. Allele origin: germline.
Comment: This variant has not been reported in the literature in individuals affected with SPTAN1-related conditions. ClinVar contains an entry for this variant (Variation ID: 1921439). Advanced modeling of protein sequence and biophysical properties (such as structural, functional, and spatial information, amino acid conservation, physicochemical variation, residue mobility, and thermodynamic stability) has been performed at Invitae for this missense variant, however the output from this modeling did not meet the statistical confidence thresholds required to predict the impact of this variant on SPTAN1 protein function. In summary, the available evidence is currently insufficient to determine the role of this variant in disease. Therefore, it has been classified as a Variant of Uncertain Significance. This variant is not present in population databases (gnomAD no frequency). This sequence change replaces isoleucine, which is neutral and non-polar, with valine, which is neutral and non-polar, at codon 1825 of the SPTAN1 protein (p.Ile1825Val).